The following is an entry in ClinVar:

NM_001807.6(CEL):c.1835C>G (p.Ala612Gly)

Gene: CEL (carboxyl ester lipase; plus strand). Cytogenetic location: 9q34.13.
Variant type: single nucleotide variant.
Coding change: c.1835C>G on transcript NM_001807.6 (MANE Select); coding-DNA position 1835, C replaced by G.
Protein change: p.Ala612Gly; replaces alanine 612 with glycine.
Molecular consequence: missense variant.
Genome position (GRCh38, 1-based): chr9:133,071,337, C>G. VCF-style: chr9-133071337-C-G. GRCh37 (hg19) VCF-style: chr9-135946724-C-G.
Other names: short protein forms A612G.
Identifiers: ClinVar variation 2343258 (VCV002343258.8), dbSNP rs1329061274, ClinGen allele CA375401183.

ClinVar aggregate classification (germline): Conflicting classifications of pathogenicity. Review status: criteria provided, conflicting classifications (1 of 4 stars). 2 submissions from 2 submitters: Uncertain significance (1); Likely benign (1). Last evaluated 2025-10-01.

Conditions:
Inborn genetic diseases. Identifiers: MedGen C0950123, MeSH D030342.

Allele frequency attached by ClinVar (database versions not stated): gnomAD 0.00061.
gnomAD v4.1: 339 of 331,946 alleles (0.1%); highest among the groups gnomAD compares: Non-Finnish European, 0.15%; 5 homozygotes.

Submissions (2):

CeGaT Center for Human Genetics Tuebingen
Classification: Likely benign. Last evaluated: 2025-10-01. Review status: criteria provided, single submitter. Criteria: CeGaT Center For Human Genetics Tuebingen Variant Classification Criteria Version 2. Collection method: clinical testing. Allele origin: germline. Affected: yes. Observed: 1 variant allele.
Comment: CEL: BS2

Ambry Genetics
Classification: Uncertain significance for Inborn genetic diseases. Last evaluated: 2022-11-18. Review status: criteria provided, single submitter. Criteria: Ambry Variant Classification Scheme 2023. Collection method: clinical testing. Allele origin: germline.